The following is an entry in ClinVar:

NM_022089.4(ATP13A2):c.3277G>C (p.Val1093Leu)

Gene: ATP13A2 (ATPase cation transporting 13A2; minus strand). Cytogenetic location: 1p36.13.
Variant type: single nucleotide variant.
Coding change: c.3277G>C on transcript NM_022089.4 (MANE Select); coding-DNA position 3277, G replaced by C.
Protein change: p.Val1093Leu; replaces valine 1093 with leucine.
Molecular consequence: missense variant. On other transcripts: intron variant (1).
Genome position (GRCh38, 1-based): chr1:16,986,591, C>G on the plus strand (G>C on the coding strand, the complement: ATP13A2 is on the minus strand). VCF-style: chr1-16986591-C-G. GRCh37 (hg19) VCF-style: chr1-17313086-C-G.
Other names: c.3103+214G>C (NM_001141974.3); c.3262G>C, p.Val1088Leu (NM_001141973.3); short protein forms V1093L, V1088L.
Identifiers: ClinVar variation 387937 (VCV000387937.8), dbSNP rs1057522952, ClinGen allele CA16603455.

ClinVar aggregate classification (germline): Uncertain significance. Review status: criteria provided, multiple submitters, no conflicts (2 of 4 stars). 2 submissions from 2 submitters: Uncertain significance (2). Last evaluated 2018-08-21.

Conditions:
Kufor-Rakeb syndrome (KRS). Also called: PARKINSON DISEASE 9, AUTOSOMAL RECESSIVE, JUVENILE-ONSET. Identifiers: Orphanet 306674, Orphanet 314632, MedGen C1847640, MONDO:0011706, OMIM 606693.
Autosomal recessive spastic paraplegia type 78. Identifiers: Orphanet 513436, MedGen C5567893, MONDO:0014975, OMIM 617225.

Allele frequency attached by ClinVar (database versions not stated): gnomAD exomes below 0.00001; TOPMed below 0.00001.
gnomAD v4.1: 1 of 1,611,572 alleles (0.000062%); highest among the groups gnomAD compares: Non-Finnish European, 0.000085%; no homozygotes.

Submissions (2):

Labcorp Genetics (formerly Invitae), Labcorp
Classification: Uncertain significance for Kufor-Rakeb syndrome; Autosomal recessive spastic paraplegia type 78. Last evaluated: 2018-08-21. Review status: criteria provided, single submitter. Criteria: Invitae Variant Classification Sherloc (09022015). Collection method: clinical testing. Allele origin: germline.
Comment: In summary, the available evidence is currently insufficient to determine the role of this variant in disease. Therefore, it has been classified as a Variant of Uncertain Significance. This sequence change replaces valine with leucine at codon 1093 of the ATP13A2 protein (p.Val1093Leu). The valine residue is weakly conserved and there is a small physicochemical difference between valine and leucine. This variant is not present in population databases (ExAC no frequency). This variant has not been reported in the literature in individuals with ATP13A2-related disease. ClinVar contains an entry for this variant (Variation ID: 387937). Algorithms developed to predict the effect of missense changes on protein structure and function (SIFT, PolyPhen-2, Align-GVGD) all suggest that this variant is likely to be tolerated, but these predictions have not been confirmed by published functional studies and their clinical significance is uncertain.

GeneDx
Classification: Uncertain significance. Last evaluated: 2016-08-01. Review status: criteria provided, single submitter. Criteria: GeneDx Variant Classification (06012015). Collection method: clinical testing. Allele origin: germline. Affected: yes.
Comment: The V1093L variant in the ATP13A2 gene has not been reported previously as a pathogenic variant, nor as a benign variant, to our knowledge. The V1093L variant was not observed in approximately 6,500 individuals of European and African American ancestry in the NHLBI Exome Sequencing Project, indicating it is not a common benign variant in these populations. The V1093L variant is a conservative amino acid substitution, which is not likely to impact secondary protein structure as these residues share similar properties. This substitution occurs at a position that is not conserved across species. In silico analysis is inconsistent in its predictions as to whether or not the variant is damaging to the protein structure/function. We interpret V1093L as a variant of uncertain significance.